The following is an entry in ClinVar:

NM_006269.2(RP1):c.4632del (p.Lys1545fs)

Gene: RP1 (RP1 axonemal microtubule associated; plus strand). Cytogenetic location: 8q12.1.
Variant type: Deletion.
Coding change: c.4632del on transcript NM_006269.2 (MANE Select); coding-DNA position 4632, one base deleted (T; older notation c.4632delT).
Protein change: p.Lys1545fs; shifts the reading frame from lysine 1545.
Molecular consequence: frameshift variant. On other transcripts: intron variant (1).
Genome position (GRCh38, 1-based): chr8:54,628,514, T deleted. VCF-style (leftmost placement, unchanged base first): chr8-54628513-CT-C. GRCh37 (hg19) VCF-style: chr8-55541073-CT-C.
Other names: c.787+6226del (NM_001375654.1); short protein forms K1545fs.
Identifiers: ClinVar variation 2024337 (VCV002024337.4), dbSNP rs2536585398, ClinGen allele CA2580078413.

ClinVar aggregate classification (germline): Pathogenic (1 of 4 stars; one submission).

Submission:

Labcorp Genetics (formerly Invitae), Labcorp
Classification: Pathogenic. Last evaluated: 2022-10-27. Review status: criteria provided, single submitter. Criteria: Invitae Variant Classification Sherloc (09022015). Collection method: clinical testing. Allele origin: germline.
Comment: This variant is not present in population databases (gnomAD no frequency). This variant has not been reported in the literature in individuals affected with RP1-related conditions. This variant disrupts the C-terminus of the RP1 protein. Many variants that disrupt this region have been reported in individuals with either autosomal dominant or autosomal recessive retinitis pigmentosa (PMID: 11527933, 19933189, 29425069, 30027431, 33681214). Therefore, variants that disrupt this region are expected to be disease-causing. For these reasons, this variant has been classified as Pathogenic. This sequence change creates a premature translational stop signal (p.Lys1545Serfs*16) in the RP1 gene. While this is not anticipated to result in nonsense mediated decay, it is expected to disrupt the last 612 amino acid(s) of the RP1 protein.

Literature cited by the submitters: PubMed 11527933; PubMed 19933189; PubMed 29425069; PubMed 30027431; PubMed 33681214.